The following is an entry in ClinVar:

NM_001318852.2(MAPK8IP3):c.901G>A (p.Val301Met)

Gene: MAPK8IP3 (mitogen-activated protein kinase 8 interacting protein 3; plus strand). Cytogenetic location: 16p13.3.
Variant type: single nucleotide variant.
Coding change: c.901G>A on transcript NM_001318852.2 (MANE Select); coding-DNA position 901, G replaced by A.
Protein change: p.Val301Met; replaces valine 301 with methionine.
Molecular consequence: missense variant.
Genome position (GRCh38, 1-based): chr16:1,747,182, G>A. VCF-style: chr16-1747182-G-A. GRCh37 (hg19) VCF-style: chr16-1797183-G-A.
Other names: c.898G>A, p.Val300Met (NM_001040439.2, NM_015133.5); short protein forms V300M, V301M.
Identifiers: ClinVar variation 1694770 (VCV001694770.31), dbSNP rs200459991, ClinGen allele CA7816528.
Genomic context (GRCh38, chr16:1,747,182, plus strand): 5'-GTGCCCTCGGCCGCCGTCACACCCCTCAACGAGAGCCTGCAGCCCCTGGGGGACTATGGC[G>A]TGGGCTCCAAGAACAGCAAGCGTGCCCGGGAGAAGCGCGACAGCCGCAACATGGAAGTAC-3'
Protein context (NP_001305781.1, residues 291-311): ESLQPLGDYG[Val301Met]GSKNSKRARE

ClinVar aggregate classification (germline): Likely benign (1 of 4 stars; one submission).

Allele frequency attached by ClinVar (database versions not stated): ExAC 0.00004; gnomAD 0.00008 and 0.00009; TOPMed 0.00008; gnomAD exomes 0.00009.
gnomAD v4.1: 148 of 1,613,804 alleles (0.0092%); highest among the groups gnomAD compares: Middle Eastern, 0.033%; no homozygotes.

Submission:

CeGaT Center for Human Genetics Tuebingen
Classification: Likely benign. Last evaluated: 2022-08-01. Review status: criteria provided, single submitter. Criteria: CeGaT Center For Human Genetics Tuebingen Variant Classification Criteria Version 2. Collection method: clinical testing. Allele origin: germline. Affected: yes. Observed: 2 variant alleles.
Comment: MAPK8IP3: BP4, BS2